The following is an entry in ClinVar:

ClinVar aggregate classification (germline): Uncertain significance (1 of 4 stars; one submission).

Conditions:
Congenital hyperammonemia, type I. Also called: CPS I DEFICIENCY; Carbamoyl-phosphate synthase I deficiency; Carbamoyl phosphate synthetase 1 deficiency; Hyperammonemia due to carbamoyl phosphate synthetase 1 deficiency; CPS 1 deficiency; Carbamyl phosphate synthetase (CPS) deficiency. Identifiers: Orphanet 147, MedGen C4082171, MONDO:0009376, OMIM 237300.

Allele frequency attached by ClinVar (database versions not stated): gnomAD exomes 0.00002.
gnomAD v4.1: 27 of 1,612,380 alleles (0.0017%); highest among the groups gnomAD compares: Non-Finnish European, 0.0022%; no homozygotes.

Submission:

Labcorp Genetics (formerly Invitae), Labcorp
Classification: Uncertain significance for Congenital hyperammonemia, type I. Last evaluated: 2022-06-28. Review status: criteria provided, single submitter. Criteria: Invitae Variant Classification Sherloc (09022015). Collection method: clinical testing. Allele origin: germline.
Comment: This sequence change replaces asparagine, which is neutral and polar, with serine, which is neutral and polar, at codon 74 of the CPS1 protein (p.Asn74Ser). This variant is present in population databases (no rsID available, gnomAD 0.0009%). This variant has not been reported in the literature in individuals affected with CPS1-related conditions. Algorithms developed to predict the effect of missense changes on protein structure and function are either unavailable or do not agree on the potential impact of this missense change (SIFT: "Deleterious"; PolyPhen-2: "Probably Damaging"; Align-GVGD: "Class C0"). In summary, the available evidence is currently insufficient to determine the role of this variant in disease. Therefore, it has been classified as a Variant of Uncertain Significance.

NM_001875.5(CPS1):c.221A>G (p.Asn74Ser)

Gene: CPS1 (carbamoyl-phosphate synthase 1; plus strand). Cytogenetic location: 2q34.
Variant type: single nucleotide variant.
Coding change: c.221A>G on transcript NM_001875.5 (MANE Select); coding-DNA position 221, A replaced by G.
Protein change: p.Asn74Ser; replaces asparagine 74 with serine.
Molecular consequence: missense variant. On other transcripts: non-coding transcript variant (1).
Genome position (GRCh38, 1-based): chr2:210,573,392, A>G. VCF-style: chr2-210573392-A-G. GRCh37 (hg19) VCF-style: chr2-211438116-A-G.
Other names: c.221A>G, p.Asn74Ser (NM_001122633.3, NM_001369257.1); c.254A>G, p.Asn85Ser (NM_001369256.1); short protein forms N74S, N85S.
Identifiers: ClinVar variation 2142307 (VCV002142307.1), dbSNP rs1203626815, ClinGen allele CA350422217.
Genomic context (GRCh38, chr2:210,573,392, plus strand): 5'-CTAAGATGAAAGGTTACTCCTTTGGCCATCCATCCTCTGTTGCTGGTGAAGTGGTTTTTA[A>G]TACTGGCCTGGGAGGGTGAGTAATGCTTTTCCAAGGCTTTATTTTTCCTCTAGTAGAGAA-3'
Protein context (NP_001866.2, residues 64-84): PSSVAGEVVF[Asn74Ser]TGLGGYPEAI